The following is an entry in ClinVar:

ClinVar aggregate classification (germline): Uncertain significance (1 of 4 stars; one submission).

Allele frequency attached by ClinVar (database versions not stated): TOPMed below 0.00001; gnomAD 0.00001; ExAC 0.00003; gnomAD exomes 0.00004.
gnomAD v4.1: 23 of 1,613,060 alleles (0.0014%); highest among the groups gnomAD compares: East Asian, 0.049%; no homozygotes.

Submission:

Ambry Genetics
Classification: Uncertain significance. Last evaluated: 2024-06-12. Review status: criteria provided, single submitter. Criteria: Ambry Variant Classification Scheme 2023. Collection method: clinical testing. Allele origin: germline.
Comment: The p.Y65C variant (also known as c.194A>G), located in coding exon 1 of the BUB3 gene, results from an A to G substitution at nucleotide position 194. The tyrosine at codon 65 is replaced by cysteine, an amino acid with highly dissimilar properties. This amino acid position is conserved. In addition, the in silico prediction for this alteration is inconclusive. Since supporting evidence is limited at this time, the clinical significance of this alteration remains unclear.

NM_004725.4(BUB3):c.194A>G (p.Tyr65Cys)

Gene: BUB3 (BUB3 mitotic checkpoint protein; plus strand). Cytogenetic location: 10q26.13.
Variant type: single nucleotide variant.
Coding change: c.194A>G on transcript NM_004725.4 (MANE Select); coding-DNA position 194, A replaced by G.
Protein change: p.Tyr65Cys; replaces tyrosine 65 with cysteine.
Molecular consequence: missense variant.
Genome position (GRCh38, 1-based): chr10:123,155,111, A>G. VCF-style: chr10-123155111-A-G. GRCh37 (hg19) VCF-style: chr10-124914627-A-G.
Other names: c.194A>G, p.Tyr65Cys (NM_001007793.3); short protein forms Y65C.
Identifiers: ClinVar variation 1783180 (VCV001783180.3), dbSNP rs771455036, ClinGen allele CA5731512.